The following is an entry in ClinVar:

NM_002693.3(POLG):c.3644-14G>C

Genes: POLG (DNA polymerase gamma, catalytic subunit; minus strand), FANCI (FA complementation group I; plus strand). Cytogenetic location: 15q26.1.
Variant type: single nucleotide variant.
Coding change: c.3644-14G>C on transcript NM_002693.3 (MANE Select); 14 bases into the intron before coding-DNA position 3644, G replaced by C.
Molecular consequence: intron variant. On other transcripts: 3 prime UTR variant (4).
Genome position (GRCh38, 1-based): chr15:89,316,841, C>G on the plus strand (G>C on the coding strand, the complement: POLG is on the minus strand). VCF-style: chr15-89316841-C-G. GRCh37 (hg19) VCF-style: chr15-89860072-C-G.
Other names: c.*382C>G (NM_001113378.2, NM_001376910.1, NM_001376911.1 and 1 more transcripts); c.3644-14G>C (NM_001126131.2).
Identifiers: ClinVar variation 206488 (VCV000206488.11), dbSNP rs3087375, ClinGen allele CA316628.

ClinVar aggregate classification (germline): Benign/Likely benign. Review status: criteria provided, multiple submitters, no conflicts (2 of 4 stars). 5 submissions from 5 submitters: Benign (4); Likely benign (1). Last evaluated 2026-02-04.

Conditions:
Progressive sclerosing poliodystrophy (MTDPS4A). Also called: Alpers-Huttenlocher Syndrome; Mitochondrial DNA Depletion Syndrome 4A; ALPERS PROGRESSIVE INFANTILE POLIODYSTROPHY; ALPERS DIFFUSE DEGENERATION OF CEREBRAL GRAY MATTER WITH HEPATIC CIRRHOSIS; Alpers Syndrome; Alpers-Huttenlocher Syndrome (AHS). Identifiers: Orphanet 726, MedGen C0205710, MONDO:0008758, OMIM 203700.

Allele frequency attached by ClinVar (database versions not stated): ExAC 0.00151; gnomAD 0.00423 and 0.00449; ESP Exome Variant Server 0.00439; TOPMed 0.00488; 1000 Genomes Project 0.00759; 1000 Genomes Project 30x 0.00859.
gnomAD v4.1: 1,257 of 1,602,266 alleles (0.078%); highest among the groups gnomAD compares: African/African-American, 1.5%; 4 homozygotes.

Submissions (5):

Labcorp Genetics (formerly Invitae), Labcorp
Classification: Benign for Progressive sclerosing poliodystrophy. Last evaluated: 2026-02-04. Review status: criteria provided, single submitter. Criteria: Invitae Variant Classification Sherloc (09022015). Collection method: clinical testing. Allele origin: germline.

Blueprint Genetics
Classification: Likely benign. Last evaluated: 2024-11-23. Review status: criteria provided, single submitter. Criteria: ACMG Guidelines, 2015. Collection method: clinical testing. Allele origin: germline.

Wong Mito Lab, Molecular and Human Genetics, Baylor College of Medicine
Classification: Benign for Progressive sclerosing poliodystrophy. Last evaluated: 2018-10-01. Review status: criteria provided, single submitter. Criteria: ACMG Guidelines, 2015. Collection method: clinical testing. Allele origin: germline.
Comment: The NM_002693.2:c.3644-14G>C (NP_002684.1:p.=) [GRCH38: NC_000015.10:g.89316841C>G] variant in FANCI gene is interpretated to be a Benign based on ACMG guidelines (PMID: 25741868). This variant meets the following evidence codes reported in the ACMG-guideline. BS1:The minor allele frequency of this allele is high for Mitochondrial DNA depletion syndrome 4A (Alpers type). BS2:Observation of the variant in controls is inconsistent with penetrance of Mitochondrial DNA depletion syndrome 4A (Alpers type). BP4:Computational evidence/predictors indicate no impact on the FANCI structure, function, or protein-protein interaction. Based on the evidence criteria codes applied, the variant is suggested to be Benign.

GeneDx
Classification: Benign. Last evaluated: 2014-08-11. Review status: criteria provided, single submitter. Criteria: GeneDx Variant Classification (06012015). Collection method: clinical testing. Allele origin: germline. Affected: yes.
Comment: This variant is considered likely benign or benign based on one or more of the following criteria: it is a conservative change, it occurs at a poorly conserved position in the protein, it is predicted to be benign by multiple in silico algorithms, and/or has population frequency not consistent with disease.

PreventionGenetics, part of Exact Sciences
Classification: Benign. Review status: criteria provided, single submitter. Criteria: ACMG Guidelines, 2015. Collection method: clinical testing. Allele origin: germline.